The following is an entry in ClinVar:

NM_000435.3(NOTCH3):c.5015G>A (p.Ser1672Asn)

Gene: NOTCH3 (notch receptor 3; minus strand). Cytogenetic location: 19p13.12.
Variant type: single nucleotide variant.
Coding change: c.5015G>A on transcript NM_000435.3 (MANE Select); coding-DNA position 5015, G replaced by A.
Protein change: p.Ser1672Asn; replaces serine 1672 with asparagine.
Molecular consequence: missense variant.
Genome position (GRCh38, 1-based): chr19:15,170,430, C>T on the plus strand (G>A on the coding strand, the complement: NOTCH3 is on the minus strand). VCF-style: chr19-15170430-C-T. GRCh37 (hg19) VCF-style: chr19-15281241-C-T.
Other names: c.5015G>A (NM_000435.2); short protein forms S1672N.
Identifiers: ClinVar variation 1013145 (VCV001013145.39), dbSNP rs2046722168, ClinGen allele CA404497436.
Genomic context (GRCh38, chr19:15,170,430, plus strand): 5'-CCCTTGTGACCAGAGGCCACGTCCTTGTGCAGTGAGAAGCCCTCAGGGAACCAGAGGGTG[C>T]TGTGCTCGCGCTTGCGCCGGGCCACCATGACACCCAGGACGAGAATGACCAGCAGCAAGA-3'
Protein context (NP_000426.2, residues 1662-1682): VMVARRKREH[Ser1672Asn]TLWFPEGFSL

ClinVar aggregate classification (germline): Uncertain significance. Review status: criteria provided, multiple submitters, no conflicts (2 of 4 stars). 2 submissions from 2 submitters: Uncertain significance (2). Last evaluated 2024-01-08.

Allele frequency attached by ClinVar (database versions not stated): gnomAD exomes below 0.00001.
gnomAD v4.1: 2 of 1,612,524 alleles (0.00012%); highest among the groups gnomAD compares: Non-Finnish European, 0.000085%; no homozygotes.

Submissions (2):

GeneDx
Classification: Uncertain significance. Last evaluated: 2024-01-08. Review status: criteria provided, single submitter. Criteria: GeneDx Variant Classification Process June 2021. Collection method: clinical testing. Allele origin: germline. Affected: yes.
Comment: Not observed at significant frequency in large population cohorts (gnomAD); In silico analysis supports that this missense variant does not alter protein structure/function; Has not been previously published as pathogenic or benign to our knowledge

CeGaT Center for Human Genetics Tuebingen
Classification: Uncertain significance. Last evaluated: 2021-01-01. Review status: criteria provided, single submitter. Criteria: CeGaT Center For Human Genetics Tuebingen Variant Classification Criteria Version 2. Collection method: clinical testing. Allele origin: germline. Affected: yes. Observed: 1 variant allele.